The following is an entry in ClinVar:

ClinVar aggregate classification (germline): Uncertain significance (1 of 4 stars; one submission).

Conditions:
STING-associated vasculopathy with onset in infancy. Also called: Sting-associated vasculopathy, infantile-onset. Identifiers: Orphanet 425120, MedGen C4014722, MONDO:0014405, OMIM 615934.

gnomAD v4.1: 1 of 1,614,142 alleles (0.000062%); highest among the groups gnomAD compares: South Asian, 0.0011%; no homozygotes.

Submission:

Labcorp Genetics (formerly Invitae), Labcorp
Classification: Uncertain significance for STING-associated vasculopathy with onset in infancy. Last evaluated: 2022-12-18. Review status: criteria provided, single submitter. Criteria: Invitae Variant Classification Sherloc (09022015). Collection method: clinical testing. Allele origin: germline.
Comment: This variant has not been reported in the literature in individuals affected with TMEM173-related conditions. In summary, the available evidence is currently insufficient to determine the role of this variant in disease. Therefore, it has been classified as a Variant of Uncertain Significance. Advanced modeling of protein sequence and biophysical properties (such as structural, functional, and spatial information, amino acid conservation, physicochemical variation, residue mobility, and thermodynamic stability) performed at Invitae indicates that this missense variant is not expected to disrupt TMEM173 protein function. This variant is not present in population databases (gnomAD no frequency). This sequence change replaces glycine, which is neutral and non-polar, with cysteine, which is neutral and slightly polar, at codon 230 of the TMEM173 protein (p.Gly230Cys).

NM_198282.4(STING1):c.688G>T (p.Gly230Cys)

Gene: STING1 (stimulator of interferon response cGAMP interactor 1; minus strand). Cytogenetic location: 5q31.2.
Variant type: single nucleotide variant.
Coding change: c.688G>T on transcript NM_198282.4 (MANE Select); coding-DNA position 688, G replaced by T.
Protein change: p.Gly230Cys; replaces glycine 230 with cysteine.
Molecular consequence: missense variant.
Genome position (GRCh38, 1-based): chr5:139,478,341, C>A on the plus strand (G>T on the coding strand, the complement: STING1 is on the minus strand). VCF-style: chr5-139478341-C-A. GRCh37 (hg19) VCF-style: chr5-138857926-C-A.
Other names: c.688G>T, p.Gly230Cys (NM_001301738.2); c.331G>T, p.Gly111Cys (NM_001367258.1); short protein forms G111C, G230C.
Identifiers: ClinVar variation 2779105 (VCV002779105.3), dbSNP rs370230460, ClinGen allele CA361479997.